The following is an entry in ClinVar:

NM_001041.4(SI):c.4958A>G (p.Asn1653Ser)

Gene: SI (sucrase-isomaltase; minus strand). Cytogenetic location: 3q26.1.
Variant type: single nucleotide variant.
Coding change: c.4958A>G on transcript NM_001041.4 (MANE Select); coding-DNA position 4958, A replaced by G.
Protein change: p.Asn1653Ser; replaces asparagine 1653 with serine.
Molecular consequence: missense variant.
Genome position (GRCh38, 1-based): chr3:164,992,202, T>C on the plus strand (A>G on the coding strand, the complement: SI is on the minus strand). VCF-style: chr3-164992202-T-C. GRCh37 (hg19) VCF-style: chr3-164709990-T-C.
Other names: short protein forms N1653S.
Identifiers: ClinVar variation 1914225 (VCV001914225.4), dbSNP rs370421935, ClinGen allele CA2689721.
Genomic context (GRCh38, chr3:164,992,202, plus strand): 5'-TTTAGTTAATTCCCCAGAATTCCTTAAATACTTACTGTATGGTAGTCAAACCACCGAGCA[T>C]TGGGGACGTAGGCATTTACAGTTTGAACATACTGGAATGTAAATAAATAGCCATTAGTTG-3'
Protein context (NP_001032.2, residues 1643-1663): YVQTVNAYVP[Asn1653Ser]ARWFDYHTGK

ClinVar aggregate classification (germline): Uncertain significance. Review status: criteria provided, multiple submitters, no conflicts (2 of 4 stars). 2 submissions from 2 submitters: Uncertain significance (2). Last evaluated 2025-02-27.

Conditions:
Sucrase-isomaltase deficiency (CSID). Also called: SI DEFICIENCY; Deficiency of isomaltase; Congenital sucrose isomaltose malabsorption; Sucrose isomaltose enzyme deficiency. Identifiers: Orphanet 35122, MedGen C1283620, MONDO:0009114, OMIM 222900.

Allele frequency attached by ClinVar (database versions not stated): ExAC 0.00002; gnomAD 0.00003; TOPMed 0.00003; ESP Exome Variant Server 0.00008.
gnomAD v4.1: 35 of 1,611,778 alleles (0.0022%); highest among the groups gnomAD compares: Middle Eastern, 0.02%; no homozygotes.

Submissions (2):

Labcorp Genetics (formerly Invitae), Labcorp
Classification: Uncertain significance. Last evaluated: 2025-02-27. Review status: criteria provided, single submitter. Criteria: Invitae Variant Classification Sherloc (09022015). Collection method: clinical testing. Allele origin: germline.
Comment: This sequence change replaces asparagine, which is neutral and polar, with serine, which is neutral and polar, at codon 1653 of the SI protein (p.Asn1653Ser). This variant is present in population databases (rs370421935, gnomAD 0.004%). This variant has not been reported in the literature in individuals affected with SI-related conditions. ClinVar contains an entry for this variant (Variation ID: 1914225). Invitae Evidence Modeling of protein sequence and biophysical properties (such as structural, functional, and spatial information, amino acid conservation, physicochemical variation, residue mobility, and thermodynamic stability) indicates that this missense variant is not expected to disrupt SI protein function with a negative predictive value of 95%. In summary, the available evidence is currently insufficient to determine the role of this variant in disease. Therefore, it has been classified as a Variant of Uncertain Significance.

Fulgent Genetics
Classification: Uncertain significance for Sucrase-isomaltase deficiency. Last evaluated: 2024-05-01. Review status: criteria provided, single submitter. Criteria: ACMG Guidelines, 2015. Collection method: clinical testing. Allele origin: germline.